The following is an entry in ClinVar:

ClinVar aggregate classification (germline): Uncertain significance (1 of 4 stars; one submission).

Conditions:
Immunodeficiency 39 (IMD39). Identifiers: Orphanet 574918, MedGen C4225358, MONDO:0014597, OMIM 616345.

Allele frequency attached by ClinVar (database versions not stated): ExAC below 0.00001; gnomAD exomes below 0.00001; gnomAD 0.00001; TOPMed 0.00002; 1000 Genomes Project 0.00020; 1000 Genomes Project 30x 0.00031.

Submission:

Labcorp Genetics (formerly Invitae), Labcorp
Classification: Uncertain significance for Immunodeficiency 39. Last evaluated: 2019-04-13. Review status: criteria provided, single submitter. Criteria: Invitae Variant Classification Sherloc (09022015). Collection method: clinical testing. Allele origin: germline.
Comment: In summary, the available evidence is currently insufficient to determine the role of this variant in disease. Therefore, it has been classified as a Variant of Uncertain Significance. Algorithms developed to predict the effect of sequence changes on RNA splicing suggest that this variant may disrupt the consensus splice site, but this prediction has not been confirmed by published transcriptional studies. This variant has not been reported in the literature in individuals with IRF7-related conditions. The frequency data for this variant in the population databases is considered unreliable, as metrics indicate poor data quality at this position in the ExAC database. This sequence change falls in intron 5 of the IRF7 gene. It does not directly change the encoded amino acid sequence of the IRF7 protein.

NM_001572.5(IRF7):c.767-8G>A

Gene: IRF7 (interferon regulatory factor 7; minus strand). Cytogenetic location: 11p15.5.
Variant type: single nucleotide variant.
Coding change: c.767-8G>A on transcript NM_001572.5 (MANE Select); 8 bases into the intron before coding-DNA position 767, G replaced by A.
Molecular consequence: intron variant.
Genome position (GRCh38, 1-based): chr11:613,873, C>T on the plus strand (G>A on the coding strand, the complement: IRF7 is on the minus strand). VCF-style: chr11-613873-C-T. GRCh37 (hg19) VCF-style: chr11-613873-C-T.
Other names: c.680-8G>A (NM_004029.4); c.806-8G>A (NM_004031.4).
Identifiers: ClinVar variation 859717 (VCV000859717.10), dbSNP rs200149783, ClinGen allele CA5783755.